The following is an entry in ClinVar:

ClinVar aggregate classification (germline): Uncertain significance. Review status: criteria provided, multiple submitters, no conflicts (2 of 4 stars). 3 submissions from 3 submitters: Uncertain significance (3). Last evaluated 2023-08-28.

Conditions:
RYR1-related disorder. Also called: RYR1-related condition; RYR1-related disorders. Identifiers: MedGen CN239331.
Malignant hyperthermia, susceptibility to, 1 (MHS1). Also called: Anesthesia related hyperthermia; Malignant hyperpyrexia; Fulminating hyperpyrexia; Pharmacogenic myopathy; RYR1-Related Malignant Hyperthermia Susceptibility; Malignant hyperthermia suceptibility 1. Identifiers: Orphanet 423, MedGen C2930980, MONDO:0007783, OMIM 145600.

Submissions (3):

All of Us Research Program, National Institutes of Health
Classification: Uncertain significance for Malignant hyperthermia, susceptibility to, 1. Last evaluated: 2023-08-28. Review status: criteria provided, single submitter. Criteria: ACMG Guidelines, 2015. Collection method: clinical testing. Allele origin: germline. Inheritance: Autosomal dominant inheritance. Observed: 1 variant allele, 1 heterozygote.
Comment: This variant results in the in-frame deletion of one amino acid in the RYR1 protein. To our knowledge, functional studies have not been reported for this variant. This variant has not been reported in individuals affected with autosomal dominant malignant hyperthermia in the literature, although it is associated with other phenotype(s) (ClinVar variation ID: 1473663; PMID: 30611313) This variant has not been identified in the general population by the Genome Aggregation Database (gnomAD). Due to insufficient evidence, this variant is classified as a Variant of Uncertain Significance for autosomal dominant malignant hyperthermia.

This study involves interpretation of variants in research participants for the purpose of population health screening. Participant phenotype was not available at the time of variant classification. Additional details can be found in publication PMID: 35346344, PMCID: PMC8962531

Color Diagnostics, LLC DBA Color Health
Classification: Uncertain significance for Malignant hyperthermia, susceptibility to, 1. Last evaluated: 2023-08-21. Review status: criteria provided, single submitter. Criteria: ACMG Guidelines, 2015. Collection method: clinical testing. Allele origin: germline.
Comment: This variant results in the in-frame deletion of one amino acid in the RYR1 protein. To our knowledge, functional studies have not been reported for this variant. This variant has not been reported in individuals affected with autosomal dominant malignant hyperthermia in the literature, although it is associated with other phenotype(s) (ClinVar variation ID: 1473663PMID: 30611313) This variant has not been identified in the general population by the Genome Aggregation Database (gnomAD). Due to insufficient evidence, this variant is classified as a Variant of Uncertain Significance for autosomal dominant malignant hyperthermia.

Labcorp Genetics (formerly Invitae), Labcorp
Classification: Uncertain significance for RYR1-related disorder. Last evaluated: 2021-08-31. Review status: criteria provided, single submitter. Criteria: Invitae Variant Classification Sherloc (09022015). Collection method: clinical testing. Allele origin: germline.
Comment: This variant, c.11999_12001del, results in the deletion of 1 amino acid(s) of the RYR1 protein (p.Met4000del), but otherwise preserves the integrity of the reading frame. This variant is not present in population databases (ExAC no frequency). This variant has been observed in individual(s) with clinical features of autosomal recessive RYR1-related conditions (PMID: 30611313). Experimental studies and prediction algorithms are not available or were not evaluated, and the functional significance of this variant is currently unknown. In summary, the available evidence is currently insufficient to determine the role of this variant in disease. Therefore, it has been classified as a Variant of Uncertain Significance.

Literature cited by the submitters: PubMed 30611313 (cited by All of Us Research Program, National Institutes of Health and Labcorp Genetics (formerly Invitae), Labcorp).

NM_000540.3(RYR1):c.11993TGA[2] (p.Met4000del)

Gene: RYR1 (ryanodine receptor 1; plus strand). Cytogenetic location: 19q13.2.
Variant type: Microsatellite.
Coding change: c.11993TGA[2] on transcript NM_000540.3 (MANE Select); two copies in a row of the 3-base unit TGA starting at c.11993; the reference has three copies in a row; one copy, 3 bases deleted; also written c.11999_12001del.
Protein change: p.Met4000del; deletes methionine 4000.
Molecular consequence: inframe deletion.
Genome position (GRCh38, 1-based): chr19:38,543,862-38,543,864, TGA deleted; deleting any 3 consecutive bases within chr19:38,543,855-38,543,864 gives the same sequence; the position shown is the placement nearest the transcript's 3' end. VCF-style (leftmost placement, unchanged base first): chr19-38543854-CATG-C. GRCh37 (hg19) VCF-style: chr19-39034494-CATG-C.
Other names: c.11999_12001del (NM_000540.3); c.11978TGA[2], p.Met3995del (NM_001042723.2); short protein forms M3995del, M4000del.
Identifiers: ClinVar variation 1473663 (VCV001473663.7), dbSNP rs2145776584, ClinGen allele CA2580613115.